The following is an entry in ClinVar:

ClinVar aggregate classification (germline): Conflicting classifications of pathogenicity. Review status: criteria provided, conflicting classifications (1 of 4 stars). 3 submissions from 3 submitters: Uncertain significance (1); Likely benign (2). Last evaluated 2026-07-27.

Conditions:
Myofibrillar myopathy 7. Identifiers: MedGen C4310711, MONDO:0014922, OMIM 617114.
KY-related disorder. Also called: KY-related condition.

Allele frequency attached by ClinVar (database versions not stated): gnomAD exomes 0.00005 and 0.00020; ExAC 0.00034; ESP Exome Variant Server 0.00040; 1000 Genomes Project 0.00060; 1000 Genomes Project 30x 0.00062; gnomAD 0.00062 and 0.00065; TOPMed 0.00065.
gnomAD v4.1: 174 of 1,612,534 alleles (0.011%); highest among the groups gnomAD compares: African/African-American, 0.2%; 1 homozygote.

Submissions (3):

PreventionGenetics, part of Exact Sciences
Classification: Likely benign for KY-related condition. Last evaluated: 2026-07-27. Review status: criteria provided, single submitter. Criteria: ACMG Guidelines, 2015. Collection method: clinical testing. Allele origin: germline.
Comment: This variant is classified as likely benign based on ACMG/AMP sequence variant interpretation guidelines (Richards et al. 2015 PMID: 25741868, with internal and published modifications).

Revvity Omics, Revvity
Classification: Uncertain significance for Myofibrillar myopathy 7. Last evaluated: 2024-09-25. Review status: criteria provided, single submitter. Criteria: ACMG Guidelines, 2015. Collection method: clinical testing. Allele origin: germline.

Labcorp Genetics (formerly Invitae), Labcorp
Classification: Likely benign. Last evaluated: 2018-01-22. Review status: criteria provided, single submitter. Criteria: Invitae Variant Classification Sherloc (09022015). Collection method: clinical testing. Allele origin: germline.

NM_178554.6(KY):c.508G>A (p.Glu170Lys)

Genes: CEP63 (centrosomal protein 63; plus strand), KY (kyphoscoliosis peptidase; minus strand). Cytogenetic location: 3q22.2.
Variant type: single nucleotide variant.
Coding change: c.508G>A on transcript NM_178554.6 (MANE Select); coding-DNA position 508, G replaced by A.
Protein change: p.Glu170Lys; replaces glutamic acid 170 with lysine.
Molecular consequence: missense variant.
Genome position (GRCh38, 1-based): chr3:134,620,833, C>T on the plus strand (G>A on the coding strand, the complement: KY is on the minus strand). VCF-style: chr3-134620833-C-T. GRCh37 (hg19) VCF-style: chr3-134339675-C-T.
Other names: c.460G>A, p.Glu154Lys (NM_001350859.2); c.382G>A, p.Glu128Lys (NM_001350860.2); c.445G>A, p.Glu149Lys (NM_001366276.1); c.508G>A, p.Glu170Lys (NM_001366277.2); short protein forms E170K, E128K, E149K, E154K.
Identifiers: ClinVar variation 74875 (VCV000074875.5), dbSNP rs191999465, ClinGen allele CA2629258.